The following is an entry in ClinVar:

ClinVar aggregate classification (germline): Uncertain significance (1 of 4 stars; one submission).

Submission:

Labcorp Genetics (formerly Invitae), Labcorp
Classification: Uncertain significance. Last evaluated: 2023-12-14. Review status: criteria provided, single submitter. Criteria: Invitae Variant Classification Sherloc (09022015). Collection method: clinical testing. Allele origin: germline.
Comment: This sequence change affects codon 717 of the CACNA2D4 mRNA. It is a 'silent' change, meaning that it does not change the encoded amino acid sequence of the CACNA2D4 protein. It affects a nucleotide within the consensus splice site. This variant is not present in population databases (gnomAD no frequency). This variant has not been reported in the literature in individuals affected with CACNA2D4-related conditions. Algorithms developed to predict the effect of sequence changes on RNA splicing suggest that this variant is not likely to affect RNA splicing. In summary, the available evidence is currently insufficient to determine the role of this variant in disease. Therefore, it has been classified as a Variant of Uncertain Significance.

NM_172364.5(CACNA2D4):c.2151G>A (p.Glu717=)

Gene: CACNA2D4 (calcium voltage-gated channel auxiliary subunit alpha2delta 4; minus strand). Cytogenetic location: 12p13.33.
Variant type: single nucleotide variant.
Coding change: c.2151G>A on transcript NM_172364.5 (MANE Select); coding-DNA position 2151, G replaced by A.
Protein change: p.Glu717=; no amino-acid change (glutamic acid 717 retained).
Molecular consequence: synonymous variant.
Genome position (GRCh38, 1-based): chr12:1,856,013, C>T on the plus strand (G>A on the coding strand, the complement: CACNA2D4 is on the minus strand). VCF-style: chr12-1856013-C-T. GRCh37 (hg19) VCF-style: chr12-1965179-C-T.
Identifiers: ClinVar variation 2862198 (VCV002862198.3), dbSNP rs2498040491, ClinGen allele CA477857594.